The following is an entry in ClinVar:

ClinVar aggregate classification (germline): Benign/Likely benign. Review status: criteria provided, multiple submitters, no conflicts (2 of 4 stars). 5 submissions from 5 submitters: Benign (1); Likely benign (4). Last evaluated 2026-08-20.

Conditions:
Hereditary cancer-predisposing syndrome. Also called: Hereditary neoplastic syndrome; Hereditary Cancer Syndrome; Neoplastic Syndromes, Hereditary; Tumor predisposition. Identifiers: Orphanet 140162, MedGen C0027672, MeSH D009386, MONDO:0015356.
AXIN2-related disorder.
Oligodontia-cancer predisposition syndrome. Also called: TOOTH AGENESIS-COLORECTAL CANCER SYNDROME. Identifiers: Orphanet 300576, MedGen C1837750, MONDO:0012075, OMIM 608615. Disease mechanism: loss of function.

Allele frequency attached by ClinVar (database versions not stated): ExAC 0.00001; gnomAD 0.00001; gnomAD exomes 0.00001 and 0.00004; TOPMed 0.00001.

Submissions (5):

PreventionGenetics, part of Exact Sciences
Classification: Likely benign for AXIN2-related condition. Last evaluated: 2026-08-20. Review status: criteria provided, single submitter. Criteria: ACMG Guidelines, 2015. Collection method: clinical testing. Allele origin: germline.
Comment: This variant is classified as likely benign based on ACMG/AMP sequence variant interpretation guidelines (Richards et al. 2015 PMID: 25741868, with internal and published modifications).

Labcorp Genetics (formerly Invitae), Labcorp
Classification: Likely benign for Oligodontia-cancer predisposition syndrome. Last evaluated: 2025-12-17. Review status: criteria provided, single submitter. Criteria: Invitae Variant Classification Sherloc (09022015). Collection method: clinical testing. Allele origin: germline.

Myriad Genetics, Inc.
Classification: Benign for Oligodontia-cancer predisposition syndrome. Last evaluated: 2024-06-28. Review status: criteria provided, single submitter. Criteria: Myriad Autosomal Dominant, Autosomal Recessive and X-Linked Classification Criteria (2023). Collection method: clinical testing. Allele origin: unknown.
Comment: This variant is considered benign. This variant is a silent/synonymous amino acid change and it is not expected to impact splicing.

Blueprint Genetics
Classification: Likely benign. Last evaluated: 2023-06-09. Review status: criteria provided, single submitter. Criteria: ACMG Guidelines, 2015. Collection method: clinical testing. Allele origin: germline.

Ambry Genetics
Classification: Likely benign for Hereditary cancer-predisposing syndrome. Last evaluated: 2018-11-20. Review status: criteria provided, single submitter. Criteria: Ambry Variant Classification Scheme 2023. Collection method: clinical testing. Allele origin: germline.

NM_004655.4(AXIN2):c.951C>T (p.Ser317=)

Gene: AXIN2 (axin 2; minus strand). Cytogenetic location: 17q24.1.
Variant type: single nucleotide variant.
Coding change: c.951C>T on transcript NM_004655.4 (MANE Select); coding-DNA position 951, C replaced by T.
Protein change: p.Ser317=; no amino-acid change (serine 317 retained).
Molecular consequence: synonymous variant.
Genome position (GRCh38, 1-based): chr17:65,549,525, G>A on the plus strand (C>T on the coding strand, the complement: AXIN2 is on the minus strand). VCF-style: chr17-65549525-G-A. GRCh37 (hg19) VCF-style: chr17-63545643-G-A.
Other names: c.951C>T (LRG_296t1); c.951C>T, p.Ser317= (NM_001363813.1).
Identifiers: ClinVar variation 533274 (VCV000533274.19), dbSNP rs751285883, ClinGen allele CA8718934.